The following is an entry in ClinVar:

NM_015047.3(EMC1):c.1089+4T>C

Genes: EMC1 (ER membrane protein complex subunit 1; minus strand), EMC1-AS1 (EMC1 antisense RNA 1; plus strand). Cytogenetic location: 1p36.13.
Variant type: single nucleotide variant.
Coding change: c.1089+4T>C on transcript NM_015047.3 (MANE Select); 4 bases into the intron after coding-DNA position 1089, T replaced by C.
Molecular consequence: intron variant.
Genome position (GRCh38, 1-based): chr1:19,238,791, A>G on the plus strand (T>C on the coding strand, the complement: EMC1 is on the minus strand). VCF-style: chr1-19238791-A-G. GRCh37 (hg19) VCF-style: chr1-19565285-A-G.
Other names: c.1086+4T>C (NM_001271427.2, NM_001375821.1); c.1089+4T>C (NM_001271428.2, NM_001375820.1); c.1023+4T>C (NM_001271429.2).
Identifiers: ClinVar variation 2707563 (VCV002707563.3), dbSNP rs2151956850, ClinGen allele CA2643781354.

ClinVar aggregate classification (germline): Uncertain significance (1 of 4 stars; one submission).

Allele frequency attached by ClinVar (database versions not stated): gnomAD exomes below 0.00001.
gnomAD v4.1: 2 of 1,604,190 alleles (0.00012%); highest among the groups gnomAD compares: Admixed American, 0.0017%; no homozygotes.

Submission:

Labcorp Genetics (formerly Invitae), Labcorp
Classification: Uncertain significance. Last evaluated: 2024-01-04. Review status: criteria provided, single submitter. Criteria: Invitae Variant Classification Sherloc (09022015). Collection method: clinical testing. Allele origin: germline.
Comment: This sequence change falls in intron 10 of the EMC1 gene. It does not directly change the encoded amino acid sequence of the EMC1 protein. It affects a nucleotide within the consensus splice site. This variant is not present in population databases (gnomAD no frequency). This variant has not been reported in the literature in individuals affected with EMC1-related conditions. Variants that disrupt the consensus splice site are a relatively common cause of aberrant splicing (PMID: 17576681, 9536098). Algorithms developed to predict the effect of sequence changes on RNA splicing suggest that this variant is not likely to affect RNA splicing. In summary, the available evidence is currently insufficient to determine the role of this variant in disease. Therefore, it has been classified as a Variant of Uncertain Significance.

Literature cited by the submitters: PubMed 17576681; PubMed 9536098.